The following is an entry in ClinVar:

NM_001379451.1(BCORL1):c.4760C>G (p.Ala1587Gly)

Gene: BCORL1 (BCL6 corepressor like 1; plus strand). Cytogenetic location: Xq26.1.
Variant type: single nucleotide variant.
Coding change: c.4760C>G on transcript NM_001379451.1 (MANE Select); coding-DNA position 4760, C replaced by G.
Protein change: p.Ala1587Gly; replaces alanine 1587 with glycine.
Molecular consequence: missense variant.
Genome position (GRCh38, 1-based): chrX:130,039,202, C>G. VCF-style: chrX-130039202-C-G. GRCh37 (hg19) VCF-style: chrX-129173177-C-G.
Other names: c.4760C>G, p.Ala1587Gly (NM_001184772.3, NM_001379450.1); c.4538C>G, p.Ala1513Gly (NM_021946.5); short protein forms A1513G, A1587G.
Identifiers: ClinVar variation 3361826 (VCV003361826.2).
Genomic context (GRCh38, chrX:130,039,202, plus strand): 5'-TTCATGATGCGGTGGTCAATGACAACCTGGAGACCATCTGGCTCCTGCTGTCCTATGGGG[C>G]CGATCCCACACTGGCTACCTACTCGGGTCAGACAGCCATGAAGCTGGCCAGCAGCGACAC-3'
Protein context (NP_001366380.1, residues 1577-1597): ETIWLLLSYG[Ala1587Gly]DPTLATYSGQ

ClinVar aggregate classification (germline): Uncertain significance (1 of 4 stars; one submission).

Submission:

GeneDx
Classification: Uncertain significance. Last evaluated: 2025-03-03. Review status: criteria provided, single submitter. Criteria: GeneDx Variant Classification Process June 2021. Collection method: clinical testing. Allele origin: germline.
Comment: Not observed at significant frequency in large population cohorts (gnomAD); In silico analysis supports that this missense variant has a deleterious effect on protein structure/function; Has not been previously published as pathogenic or benign to our knowledge